The following is an entry in ClinVar:

NM_005751.5(AKAP9):c.2642G>C (p.Ser881Thr)

Gene: AKAP9 (A-kinase anchoring protein 9; plus strand). Cytogenetic location: 7q21.2.
Variant type: single nucleotide variant.
Coding change: c.2642G>C on transcript NM_005751.5 (MANE Select); coding-DNA position 2642, G replaced by C.
Protein change: p.Ser881Thr; replaces serine 881 with threonine.
Molecular consequence: missense variant.
Genome position (GRCh38, 1-based): chr7:92,002,559, G>C. VCF-style: chr7-92002559-G-C. GRCh37 (hg19) VCF-style: chr7-91631873-G-C.
Other names: c.2642G>C, p.Ser881Thr (NM_147185.3); short protein forms S881T.
Identifiers: ClinVar variation 1794210 (VCV001794210.2), dbSNP rs2484694388, ClinGen allele CA368124595.
Genomic context (GRCh38, chr7:92,002,559, plus strand): 5'-ATCAAGAGTTACAAGAGGAGTATGCTTGCCTTCTCAAAGTAAAAGATGATTTAGAAGACA[G>C]TAAAAATAAACAGGAATTAGAGTATAAAAGTAAACTTAAAGCACTTAATGAAGAGCTTCA-3'
Protein context (NP_005742.4, residues 871-891): LLKVKDDLED[Ser881Thr]KNKQELEYKS

ClinVar aggregate classification (germline): Uncertain significance (1 of 4 stars; one submission).

Conditions:
Cardiovascular phenotype. Identifiers: MedGen CN230736.

Submission:

Ambry Genetics
Classification: Uncertain significance for Cardiovascular phenotype. Last evaluated: 2019-11-01. Review status: criteria provided, single submitter. Criteria: Ambry Variant Classification Scheme 2023. Collection method: clinical testing. Allele origin: germline.
Comment: The p.S881T variant (also known as c.2642G>C), located in coding exon 8 of the AKAP9 gene, results from a G to C substitution at nucleotide position 2642. The serine at codon 881 is replaced by threonine, an amino acid with similar properties. This amino acid position is not well conserved in available vertebrate species. In addition, this alteration is predicted to be tolerated by in silico analysis. Since supporting evidence is limited at this time, the clinical significance of this alteration remains unclear.